The following is an entry in ClinVar:

ClinVar aggregate classification (germline): Uncertain significance (1 of 4 stars; one submission).

Submission:

GeneDx
Classification: Uncertain significance. Last evaluated: 2024-02-07. Review status: criteria provided, single submitter. Criteria: GeneDx Variant Classification Process June 2021. Collection method: clinical testing. Allele origin: germline. Affected: yes.
Comment: Not observed at significant frequency in large population cohorts (gnomAD); In silico analysis supports that this missense variant does not alter protein structure/function; Has not been previously published as pathogenic or benign to our knowledge

NM_003011.4(SET):c.323C>G (p.Thr108Ser)

Gene: SET (SET nuclear proto-oncogene; plus strand). Cytogenetic location: 9q34.11.
Variant type: single nucleotide variant.
Coding change: c.323C>G on transcript NM_003011.4 (MANE Select); coding-DNA position 323, C replaced by G.
Protein change: p.Thr108Ser; replaces threonine 108 with serine.
Molecular consequence: missense variant.
Genome position (GRCh38, 1-based): chr9:128,692,710, C>G. VCF-style: chr9-128692710-C-G. GRCh37 (hg19) VCF-style: chr9-131454989-C-G.
Other names: c.362C>G, p.Thr121Ser (NM_001122821.2, NM_001374326.1); c.296C>G, p.Thr99Ser (NM_001248000.2); c.290C>G, p.Thr97Ser (NM_001248001.2); short protein forms T108S, T121S, T97S, T99S.
Identifiers: ClinVar variation 3368868 (VCV003368868.1).